The following is an entry in ClinVar:

ClinVar aggregate classification (germline): Uncertain significance. Review status: criteria provided, multiple submitters, no conflicts (2 of 4 stars). 2 submissions from 2 submitters: Uncertain significance (2). Last evaluated 2024-01-11.

Conditions:
Neurodevelopmental disorder with or without variable brain abnormalities; NEDBA. Also called: NEURODEVELOPMENTAL DISORDER WITH OR WITHOUT VARIABLE BRAIN ABNORMALITIES. Identifiers: MedGen C5193102, MONDO:0032755, OMIM 618443.

Allele frequency attached by ClinVar (database versions not stated): TOPMed 0.00002; gnomAD 0.00003.
gnomAD v4.1: 57 of 1,608,020 alleles (0.0035%); highest among the groups gnomAD compares: Non-Finnish European, 0.004%; no homozygotes.

Submissions (2):

Women's Health and Genetics/Laboratory Corporation of America, LabCorp
Classification: Uncertain significance. Last evaluated: 2024-01-11. Review status: criteria provided, single submitter. Criteria: LabCorp Variant Classification Summary - May 2015. Collection method: clinical testing. Allele origin: germline.
Comment: Variant summary: MAPK8IP3 c.2258C>T (p.Thr753Met) results in a non-conservative amino acid change in the encoded protein sequence. Four of five in-silico tools predict a benign effect of the variant on protein function. The variant allele was found at a frequency of 8.4e-06 in 238806 control chromosomes. The available data on variant occurrences in the general population are insufficient to allow any conclusion about variant significance. To our knowledge, no occurrence of c.2258C>T in individuals affected with Neurodevelopmental Disorder With Or Without Variable Brain Abnormalities; NEDBA and no experimental evidence demonstrating its impact on protein function have been reported. ClinVar contains an entry for this variant (Variation ID: 2433636). Based on the evidence outlined above, the variant was classified as uncertain significance.

Revvity Omics, Revvity
Classification: Uncertain significance for Neurodevelopmental disorder with or without variable brain abnormalities; NEDBA. Last evaluated: 2022-09-14. Review status: criteria provided, single submitter. Criteria: ACMG Guidelines, 2015. Collection method: clinical testing. Allele origin: germline.

NM_001318852.2(MAPK8IP3):c.2261C>T (p.Thr754Met)

Gene: MAPK8IP3 (mitogen-activated protein kinase 8 interacting protein 3; plus strand). Cytogenetic location: 16p13.3.
Variant type: single nucleotide variant.
Coding change: c.2261C>T on transcript NM_001318852.2 (MANE Select); coding-DNA position 2261, C replaced by T.
Protein change: p.Thr754Met; replaces threonine 754 with methionine.
Molecular consequence: missense variant.
Genome position (GRCh38, 1-based): chr16:1,764,440, C>T. VCF-style: chr16-1764440-C-T. GRCh37 (hg19) VCF-style: chr16-1814441-C-T.
Other names: c.2240C>T, p.Thr747Met (NM_001040439.2); c.2258C>T, p.Thr753Met (NM_015133.5, NM_033392.3); short protein forms T747M, T753M, T754M.
Identifiers: ClinVar variation 2433636 (VCV002433636.4), dbSNP rs772187983, ClinGen allele CA276718636.
Genomic context (GRCh38, chr16:1,764,440, plus strand): 5'-CAGGCCGCGATCCCCTGACCTGCGACCGCGAAGGAGACGGCGAGCCCAAGAGCGCCCACA[C>T]GTCTCCCGAGAAGAAGAAGGTGAGCATGGCCGAGGCCACCGGGCACCCTCCCTGGCTTAG-3'
Protein context (NP_001305781.1, residues 744-764): EGDGEPKSAH[Thr754Met]SPEKKKAKEL